The following is an entry in ClinVar:

NM_001105206.3(LAMA4):c.5113-16G>A

Gene: LAMA4 (laminin subunit alpha 4; minus strand). Cytogenetic location: 6q21.
Variant type: single nucleotide variant.
Coding change: c.5113-16G>A on transcript NM_001105206.3 (MANE Select); 16 bases into the intron before coding-DNA position 5113, G replaced by A.
Molecular consequence: intron variant.
Genome position (GRCh38, 1-based): chr6:112,114,772, C>T on the plus strand (G>A on the coding strand, the complement: LAMA4 is on the minus strand). VCF-style: chr6-112114772-C-T. GRCh37 (hg19) VCF-style: chr6-112435975-C-T.
Other names: c.5092-16G>A (LRG_433t2, NM_002290.5, NM_001105207.3).
Identifiers: ClinVar variation 391199 (VCV000391199.3), dbSNP rs371620356, ClinGen allele CA3964806.

ClinVar aggregate classification (germline): Likely benign. Review status: criteria provided, multiple submitters, no conflicts (2 of 4 stars). 2 submissions from 2 submitters: Likely benign (2). Last evaluated 2024-04-13.

Conditions:
Dilated cardiomyopathy 1JJ (CMD1JJ). Identifiers: Orphanet 154, MedGen C3808935, MONDO:0014095, OMIM 615235.

Allele frequency attached by ClinVar (database versions not stated): gnomAD 0.00001; gnomAD exomes 0.00001 and 0.00002; TOPMed 0.00001; ExAC 0.00002; ESP Exome Variant Server 0.00008.
gnomAD v4.1: 27 of 1,540,646 alleles (0.0018%); highest among the groups gnomAD compares: Non-Finnish European, 0.0022%; no homozygotes.

Submissions (2):

Labcorp Genetics (formerly Invitae), Labcorp
Classification: Likely benign for Dilated cardiomyopathy 1JJ. Last evaluated: 2024-04-13. Review status: criteria provided, single submitter. Criteria: Invitae Variant Classification Sherloc (09022015). Collection method: clinical testing. Allele origin: germline.

GeneDx
Classification: Likely benign. Last evaluated: 2016-11-22. Review status: criteria provided, single submitter. Criteria: GeneDx Variant Classification (06012015). Collection method: clinical testing. Allele origin: germline. Affected: yes.
Comment: This variant is considered likely benign or benign based on one or more of the following criteria: it is a conservative change, it occurs at a poorly conserved position in the protein, it is predicted to be benign by multiple in silico algorithms, and/or has population frequency not consistent with disease.